The following is an entry in ClinVar:

NM_153704.6(TMEM67):c.157C>G (p.Gln53Glu)

Gene: TMEM67 (transmembrane protein 67; plus strand). Cytogenetic location: 8q22.1.
Variant type: single nucleotide variant.
Coding change: c.157C>G on transcript NM_153704.6 (MANE Select); coding-DNA position 157, C replaced by G.
Protein change: p.Gln53Glu; replaces glutamine 53 with glutamic acid.
Molecular consequence: missense variant. On other transcripts: 5 prime UTR variant (1), non-coding transcript variant (1).
Genome position (GRCh38, 1-based): chr8:93,755,071, C>G. VCF-style: chr8-93755071-C-G. GRCh37 (hg19) VCF-style: chr8-94767299-C-G.
Other names: c.-128C>G (NM_001142301.1); short protein forms Q53E.
Identifiers: ClinVar variation 3751863 (VCV003751863.2).

ClinVar aggregate classification (germline): Uncertain significance (1 of 4 stars; one submission).

Conditions:
Joubert syndrome. Also called: CEREBELLOPARENCHYMAL DISORDER IV; JOUBERT-BOLTSHAUSER SYNDROME; Familial aplasia of the vermis. Identifiers: Orphanet 475, MedGen C5979921, MONDO:0018772.
Meckel-Gruber syndrome. Also called: DYSENCEPHALIA SPLANCHNOCYSTICA; GRUBER SYNDROME; Dysencephalia splachnocystica. Identifiers: Orphanet 564, MedGen C0265215, MONDO:0018921.

gnomAD v4.1: 2 of 1,614,178 alleles (0.00012%); highest among the groups gnomAD compares: Non-Finnish European, 0.00017%; no homozygotes.

Submission:

Labcorp Genetics (formerly Invitae), Labcorp
Classification: Uncertain significance for Joubert syndrome; Meckel-Gruber syndrome. Last evaluated: 2025-01-06. Review status: criteria provided, single submitter. Criteria: Invitae Variant Classification Sherloc (09022015). Collection method: clinical testing. Allele origin: germline.
Comment: This sequence change replaces glutamine, which is neutral and polar, with glutamic acid, which is acidic and polar, at codon 53 of the TMEM67 protein (p.Gln53Glu). This variant is present in population databases (no rsID available, gnomAD 0.0009%). This variant has not been reported in the literature in individuals affected with TMEM67-related conditions. An algorithm developed to predict the effect of missense changes on protein structure and function outputs the following: PolyPhen-2: "Benign". The glutamic acid amino acid residue is found in multiple mammalian species, which suggests that this missense change does not adversely affect protein function. In summary, the available evidence is currently insufficient to determine the role of this variant in disease. Therefore, it has been classified as a Variant of Uncertain Significance.